The following is an entry in ClinVar:

ClinVar aggregate classification (germline): Pathogenic. Review status: criteria provided, multiple submitters, no conflicts (2 of 4 stars). 2 submissions from 2 submitters: Pathogenic (2). Last evaluated 2024-02-21.

Conditions:
Tuberous sclerosis syndrome (TSC). Also called: Tuberous Sclerosis Complex; Tuberous sclerosis. Identifiers: Orphanet 805, MedGen C0041341, MONDO:0001734.
Hereditary cancer-predisposing syndrome. Also called: Neoplastic Syndromes, Hereditary; Tumor predisposition; Hereditary neoplastic syndrome; Hereditary Cancer Syndrome. Identifiers: Orphanet 140162, MedGen C0027672, MeSH D009386, MONDO:0015356.

Submissions (2):

Institute of Medical Genetics and Applied Genomics, University Hospital Tübingen
Classification: Pathogenic for Tuberous sclerosis syndrome. Last evaluated: 2024-02-21. Review status: criteria provided, single submitter. Criteria: ACMG Guidelines, 2015. Collection method: clinical testing. Allele origin: germline. Inheritance: Autosomal dominant inheritance. Affected: yes.

Ambry Genetics
Classification: Pathogenic for Hereditary cancer-predisposing syndrome. Last evaluated: 2017-12-28. Review status: criteria provided, single submitter. Criteria: Ambry Variant Classification Scheme 2023. Collection method: clinical testing. Allele origin: germline.
Comment: The c.1224delT pathogenic mutation, located in coding exon 11 of the TSC2 gene, results from a deletion of one nucleotide at nucleotide position 1224, causing a translational frameshift with a predicted alternate stop codon (p.F408Lfs*17). This alteration is expected to result in loss of function by premature protein truncation or nonsense-mediated mRNA decay. As such, this alteration is interpreted as a disease-causing mutation.

NM_000548.5(TSC2):c.1224del (p.Phe408fs)

Gene: TSC2 (TSC complex subunit 2; plus strand). Cytogenetic location: 16p13.3.
Variant type: Deletion.
Coding change: c.1224del on transcript NM_000548.5 (MANE Select); coding-DNA position 1224, one base deleted (T; older notation c.1224delT).
Protein change: p.Phe408fs; shifts the reading frame from phenylalanine 408.
Molecular consequence: frameshift variant.
Genome position (GRCh38, 1-based): chr16:2,061,975, T deleted; the last of 3 consecutive T bases (chr16:2,061,973-2,061,975); deleting any one gives the same sequence. VCF-style (leftmost placement, unchanged base first): chr16-2061972-CT-C. GRCh37 (hg19) VCF-style: chr16-2111973-CT-C.
Other names: c.1224del, p.Phe408fs (NM_001077183.3, NM_001114382.3, NM_001363528.2 and 3 more transcripts); c.1113del, p.Phe371fs (NM_001318827.2); c.1077del, p.Phe359fs (NM_001318829.2); c.624del, p.Phe208fs (NM_001318831.2); c.1257del, p.Phe419fs (NM_001318832.2); c.1224delT, p.Phe408Leufs (NM_001406663.1, NM_001406664.1, NM_001406665.1); c.1314delT, p.Phe438Leufs (NM_001406667.1, NM_001406668.1); c.1113delT, p.Phe371Leufs (NM_001406670.1, NM_001406678.1); and 8 more; short protein forms F208fs, F408fs, F419fs, F359fs, F371fs.
Identifiers: ClinVar variation 1753871 (VCV001753871.3), dbSNP rs137854089, ClinGen allele CA2580090736.